The following is an entry in ClinVar:

ClinVar aggregate classification (germline): Likely benign. Review status: criteria provided, multiple submitters, no conflicts (2 of 4 stars). 2 submissions from 2 submitters: Likely benign (2). Last evaluated 2024-07-31.

Conditions:
Juvenile polyposis syndrome (JPS). Identifiers: Orphanet 2929, MedGen C0345893, MONDO:0017380, OMIM 174900.

Submissions (2):

Myriad Genetics, Inc.
Classification: Likely benign for Juvenile polyposis syndrome. Last evaluated: 2024-07-31. Review status: criteria provided, single submitter. Criteria: Myriad Autosomal Dominant, Autosomal Recessive and X-Linked Classification Criteria (2023). Collection method: clinical testing. Allele origin: unknown.
Comment: This variant is considered likely benign. This variant is intronic and is not expected to impact mRNA splicing.

Labcorp Genetics (formerly Invitae), Labcorp
Classification: Likely benign for Juvenile polyposis syndrome. Last evaluated: 2022-12-15. Review status: criteria provided, single submitter. Criteria: Invitae Variant Classification Sherloc (09022015). Collection method: clinical testing. Allele origin: germline.

NM_004329.3(BMPR1A):c.231-7del

Gene: BMPR1A (bone morphogenetic protein receptor type 1A; plus strand). Cytogenetic location: 10q23.2.
Variant type: Deletion.
Coding change: c.231-7del on transcript NM_004329.3 (MANE Select); 7 bases into the intron before coding-DNA position 231, one base deleted (G; older notation c.231-7delG).
Molecular consequence: intron variant.
Genome position (GRCh38, 1-based): chr10:86,892,120, G deleted. VCF-style (leftmost placement, unchanged base first): chr10-86892119-TG-T. GRCh37 (hg19) VCF-style: chr10-88651876-TG-T.
Other names: c.231-7del (NM_001406562.1, NM_001406568.1, NM_001406567.1 and 23 more transcripts); c.147-7del (NM_001406584.1, NM_001406588.1, NM_001406587.1 and 2 more transcripts).
Identifiers: ClinVar variation 2820885 (VCV002820885.4), dbSNP rs2539444764, ClinGen allele CA2739275869.